The following is an entry in ClinVar:

ClinVar aggregate classification (germline): Uncertain significance (1 of 4 stars; one submission).

Allele frequency attached by ClinVar (database versions not stated): gnomAD 0.00003.

Submission:

Labcorp Genetics (formerly Invitae), Labcorp
Classification: Uncertain significance. Last evaluated: 2023-09-19. Review status: criteria provided, single submitter. Criteria: Invitae Variant Classification Sherloc (09022015). Collection method: clinical testing. Allele origin: germline.
Comment: In summary, the available evidence is currently insufficient to determine the role of this variant in disease. Therefore, it has been classified as a Variant of Uncertain Significance. Algorithms developed to predict the effect of missense changes on protein structure and function output the following: SIFT: "Not Available"; PolyPhen-2: "Benign"; Align-GVGD: "Not Available". The valine amino acid residue is found in multiple mammalian species, which suggests that this missense change does not adversely affect protein function. This variant has not been reported in the literature in individuals affected with OTOG-related conditions. This variant is present in population databases (no rsID available, gnomAD 0.01%). This sequence change replaces methionine, which is neutral and non-polar, with valine, which is neutral and non-polar, at codon 1800 of the OTOG protein (p.Met1800Val).

NM_001292063.2(OTOG):c.5362A>G (p.Met1788Val)

Gene: OTOG (otogelin; plus strand). Cytogenetic location: 11p15.1.
Variant type: single nucleotide variant.
Coding change: c.5362A>G on transcript NM_001292063.2 (MANE Select); coding-DNA position 5362, A replaced by G.
Protein change: p.Met1788Val; replaces methionine 1788 with valine.
Molecular consequence: missense variant.
Genome position (GRCh38, 1-based): chr11:17,610,662, A>G. VCF-style: chr11-17610662-A-G. GRCh37 (hg19) VCF-style: chr11-17632209-A-G.
Other names: c.5398A>G, p.Met1800Val (NM_001277269.2); short protein forms M1788V, M1800V.
Identifiers: ClinVar variation 3017224 (VCV003017224.2), dbSNP rs934695648, ClinGen allele CA218476439.